The following is an entry in ClinVar:

NM_002691.4(POLD1):c.841-10A>G

Gene: POLD1 (DNA polymerase delta 1, catalytic subunit; plus strand). Cytogenetic location: 19q13.33.
Variant type: single nucleotide variant.
Coding change: c.841-10A>G on transcript NM_002691.4 (MANE Select); 10 bases into the intron before coding-DNA position 841, A replaced by G.
Molecular consequence: intron variant.
Genome position (GRCh38, 1-based): chr19:50,402,602, A>G. VCF-style: chr19-50402602-A-G. GRCh37 (hg19) VCF-style: chr19-50905859-A-G.
Other names: c.841-10A>G (LRG_785t1, LRG_785t2, NM_001256849.1 and 1 more transcripts).
Identifiers: ClinVar variation 386416 (VCV000386416.26), dbSNP rs140160345, ClinGen allele CA9595932.

ClinVar aggregate classification (germline): Benign/Likely benign. Review status: criteria provided, multiple submitters, no conflicts (2 of 4 stars). 8 submissions from 8 submitters: Benign (1); Likely benign (6). 1 of the submissions does not count toward it. Last evaluated 2026-01-26.

Conditions:
Carcinoma of colon (CRC). Also called: Colon carcinoma; Colonic carcinoma. Identifiers: MedGen C0699790, MONDO:0002032.
POLD1-related polyposis and colorectal cancer syndrome (CRCS10). Also called: Colorectal cancer, susceptibility to, 10; Colorectal cancer 10; COLORECTAL CANCER, SUSCEPTIBILITY TO, ON CHROMOSOME 19q. Identifiers: Orphanet 220460, MedGen C2675481, MONDO:0012953, OMIM 612591.

Allele frequency attached by ClinVar (database versions not stated): gnomAD 0.00003 and 0.00004; TOPMed 0.00003; gnomAD exomes 0.00005; ESP Exome Variant Server 0.00008; ExAC 0.00018; 1000 Genomes Project 30x 0.00031; 1000 Genomes Project 0.00040.
gnomAD v4.1: 75 of 1,572,136 alleles (0.0048%); highest among the groups gnomAD compares: Middle Eastern, 0.037%; no homozygotes.

Submissions (8):

Labcorp Genetics (formerly Invitae), Labcorp
Classification: Likely benign for POLD1-related polyposis and colorectal cancer syndrome. Last evaluated: 2026-01-26. Review status: criteria provided, single submitter. Criteria: Invitae Variant Classification Sherloc (09022015). Collection method: clinical testing. Allele origin: germline.

Center for Genomic Medicine, Rigshospitalet, Copenhagen University Hospital
Classification: Likely benign. Last evaluated: 2025-03-04. Review status: criteria provided, single submitter. Criteria: ACMG Guidelines, 2015. Collection method: clinical testing. Allele origin: germline.

Myriad Genetics, Inc.
Classification: Likely benign for POLD1-related polyposis and colorectal cancer syndrome. Last evaluated: 2025-02-04. Review status: criteria provided, single submitter. Criteria: Myriad Autosomal Dominant, Autosomal Recessive and X-Linked Classification Criteria (2023). Collection method: clinical testing. Allele origin: unknown.
Comment: This variant is considered likely benign. This variant is intronic and is not expected to impact mRNA splicing.

Blueprint Genetics
Classification: Likely benign. Last evaluated: 2023-10-27. Review status: criteria provided, single submitter. Criteria: ACMG Guidelines, 2015. Collection method: clinical testing. Allele origin: germline.

GeneDx
Classification: Likely benign. Last evaluated: 2019-02-27. Review status: criteria provided, single submitter. Criteria: GeneDx Variant Classification Process June 2021. Collection method: clinical testing. Allele origin: germline. Affected: yes.

Women's Health and Genetics/Laboratory Corporation of America, LabCorp
Classification: Benign. Last evaluated: 2018-09-07. Review status: criteria provided, single submitter. Criteria: LabCorp Variant Classification Summary - May 2015. Collection method: clinical testing. Allele origin: germline.
Comment: Variant summary: POLD1 c.841-10A>G alters a non-conserved nucleotide located close to a canonical splice site and therefore could affect mRNA splicing, leading to a significantly altered protein sequence. 4/4 computational tools predict no significant impact on normal splicing. However, these predictions have yet to be confirmed by functional studies. The variant allele was found at a frequency of 6.3e-05 in 175902 control chromosomes. The observed variant frequency is approximately 4.4 fold above the estimated maximal expected allele frequency for a pathogenic variant in POLD1 causing Colorectal Cancer phenotype (1.4e-05), strongly suggesting that the variant is benign. To our knowledge, no occurrence of c.841-10A>G in individuals affected with Colorectal Cancer and no experimental evidence demonstrating its impact on protein function have been reported. Three clinical diagnostic laboratories have submitted clinical-significance assessments for this variant to ClinVar after 2014 with two classifying the variant as likely benign. Based on the evidence outlined above, the variant was classified as benign.

Quest Diagnostics Nichols Institute San Juan Capistrano
Classification: Likely benign. Last evaluated: 2017-12-22. Review status: criteria provided, single submitter. Criteria: Quest Diagnostics criteria. Collection method: clinical testing. Allele origin: unknown.

Department of Pathology and Laboratory Medicine, Sinai Health System
Classification: Likely benign for Carcinoma of colon. Review status: no assertion criteria provided. Collection method: clinical testing. Allele origin: unknown. Affected: yes. Study: The Canadian Open Genetics Repository (COGR). Not counted in ClinVar's aggregate classification.
Comment: The POLD1 c.841-10A>G variant was not identified in the literature nor was it identified in the Cosmic or Clinvitae database. The variant was also identified in dbSNP (ID: rs140160345) as â€šÃ„ÃºWith Likely benign alleleâ€šÃ„Ã¹, ClinVar (classified as likely benign by GeneDx and Invitae; as uncertain significance by Quest Diagnostics Nichols Institute San Juan Capistrano), and LOVD 3.0 (1x) databases. The variant was identified in control databases in 11 of 175902 chromosomes at a frequency of 0.0001 (Genome Aggregation Database Feb 27, 2017). Breakdown of the observations by population include Other in 1 of 4280 chromosomes (freq: 0.0002), Latino in 1 of 25734 chromosomes (freq: 0.00004), European in 9 of 73424 chromosomes (freq: 0.0001), while the variant was not observed in the African, Ashkenazi Jewish, East Asian, Finnish, or South Asian populations. The variant occurs outside of the splicing consensus sequence and in silico or computational prediction software programs (SpliceSiteFinder, MaxEntScan, NNSPLICE, GeneSplicer, HumanSpliceFinder) do not predict a difference in splicing. In summary, based on the above information the clinical significance of this variant cannot be determined with certainty at this time although we would lean towards a more benign role for this variant. This variant is classified as likely benign.